The following is an entry in ClinVar:

NM_014516.4(CNOT3):c.1177G>T (p.Val393Phe)

Gene: CNOT3 (CCR4-NOT transcription complex subunit 3; plus strand). Cytogenetic location: 19q13.42.
Variant type: single nucleotide variant.
Coding change: c.1177G>T on transcript NM_014516.4 (MANE Select); coding-DNA position 1177, G replaced by T.
Protein change: p.Val393Phe; replaces valine 393 with phenylalanine.
Molecular consequence: missense variant. On other transcripts: non-coding transcript variant (2).
Genome position (GRCh38, 1-based): chr19:54,148,430, G>T. VCF-style: chr19-54148430-G-T. GRCh37 (hg19) VCF-style: chr19-54652165-G-T.
Other names: c.1180G>T, p.Val394Phe (NM_001440653.1, NM_001440655.1, NM_001440657.1 and 3 more transcripts); c.1177G>T, p.Val393Phe (NM_001440654.1, NM_001440656.1, NM_001440658.1 and 1 more transcripts); c.634G>T, p.Val212Phe (NM_001440659.1, NM_001440660.1); short protein forms V212F, V393F, V394F.
Identifiers: ClinVar variation 4879216 (VCV004879216.1).

ClinVar aggregate classification (germline): Uncertain significance (1 of 4 stars; one submission).

Conditions:
Intellectual developmental disorder with speech delay, autism, and dysmorphic facies. Identifiers: MedGen C5231456, MONDO:0032864, OMIM 618672.

Submission:

Clinical Genomics Laboratory, Washington University in St. Louis
Classification: Uncertain significance for Intellectual developmental disorder with speech delay, autism, and dysmorphic facies. Last evaluated: 2026-01-18. Review status: criteria provided, single submitter. Criteria: ACMG Guidelines, 2015. Collection method: clinical testing. Allele origin: germline.
Comment: The CNOT3 c.1177G>T (p.Val393Phe) variant, to our knowledge, has not been reported in the medical literature. This variant is absent from the general population (gnomAD v.2.1.1), indicating it is not a common variant. Computational predictors suggest that the variant does not impact CNOT3 function. Due to limited information, and based on ACMG/AMP guidelines for variant interpretation (Richards S et al., PMID: 25741868), the clinical significance of this variant is uncertain at this time.